The following is an entry in ClinVar:

NM_002382.5(MAX):c.50G>A (p.Arg17Lys)

Gene: MAX (MYC associated transcriptional regulator X; minus strand). Cytogenetic location: 14q23.3.
Variant type: single nucleotide variant.
Coding change: c.50G>A on transcript NM_002382.5 (MANE Select); coding-DNA position 50, G replaced by A.
Protein change: p.Arg17Lys; replaces arginine 17 with lysine.
Molecular consequence: missense variant. On other transcripts: 5 prime UTR variant (4), non-coding transcript variant (7), intron variant (14).
Genome position (GRCh38, 1-based): chr14:65,101,559, C>T on the plus strand (G>A on the coding strand, the complement: MAX is on the minus strand). VCF-style: chr14-65101559-C-T. GRCh37 (hg19) VCF-style: chr14-65568277-C-T.
Other names: c.-225G>A (NM_001320415.2, NM_001407105.1, NM_001407106.1); c.50G>A, p.Arg17Lys (NM_001407094.1, NM_001407096.1, NM_001407097.1 and 6 more transcripts); c.-318G>A (NM_001407111.1); c.73G>A, p.Gly25Ser (NM_001407114.1); c.36+745G>A (NM_001271069.2, NM_001407095.1, NM_001407110.1 and 9 more transcripts); c.-305+950G>A (NM_001407112.1); c.-212+745G>A (NM_001407107.1); short protein forms G25S, R17K.
Identifiers: ClinVar variation 3018726 (VCV003018726.4), dbSNP rs1309179207, ClinGen allele CA390038754.

ClinVar aggregate classification (germline): Uncertain significance. Review status: criteria provided, multiple submitters, no conflicts (2 of 4 stars). 2 submissions from 2 submitters: Uncertain significance (2). Last evaluated 2026-07-07.

Conditions:
Hereditary pheochromocytoma and paraganglioma. Also called: Hereditary Paraganglioma-Pheochromocytoma Syndromes; Hereditary paragangliomas and pheochromocytomas; Hereditary pheochromocytoma-paraganglioma. Identifiers: Orphanet 29072, MedGen C4274332, MONDO:0017366.
Hereditary cancer-predisposing syndrome. Also called: Hereditary Cancer Syndrome; Hereditary neoplastic syndrome; Neoplastic Syndromes, Hereditary; Tumor predisposition. Identifiers: Orphanet 140162, MedGen C0027672, MeSH D009386, MONDO:0015356.

Submissions (2):

Ambry Genetics
Classification: Uncertain significance for Hereditary cancer-predisposing syndrome. Last evaluated: 2026-07-07. Review status: criteria provided, single submitter. Criteria: Ambry Variant Classification Scheme 2023. Collection method: clinical testing. Allele origin: germline.
Comment: The p.R17K variant (also known as c.50G>A), located in coding exon 2 of the MAX gene, results from a G to A substitution at nucleotide position 50. The arginine at codon 17 is replaced by lysine, an amino acid with highly similar properties. This amino acid position is conserved. In addition, the in silico prediction for this alteration is inconclusive. Based on the available evidence, the clinical significance of this variant remains unclear.

Labcorp Genetics (formerly Invitae), Labcorp
Classification: Uncertain significance for Hereditary pheochromocytoma and paraganglioma. Last evaluated: 2023-11-20. Review status: criteria provided, single submitter. Criteria: Invitae Variant Classification Sherloc (09022015). Collection method: clinical testing. Allele origin: germline.
Comment: This sequence change replaces arginine, which is basic and polar, with lysine, which is basic and polar, at codon 17 of the MAX protein (p.Arg17Lys). This variant is not present in population databases (gnomAD no frequency). This variant has not been reported in the literature in individuals affected with MAX-related conditions. An algorithm developed to predict the effect of missense changes on protein structure and function (PolyPhen-2) suggests that this variant is likely to be tolerated. In summary, the available evidence is currently insufficient to determine the role of this variant in disease. Therefore, it has been classified as a Variant of Uncertain Significance.